The following is an entry in ClinVar:

ClinVar aggregate classification (germline): Pathogenic (1 of 4 stars; one submission).

Submission:

Labcorp Genetics (formerly Invitae), Labcorp
Classification: Pathogenic. Last evaluated: 2023-03-09. Review status: criteria provided, single submitter. Criteria: Invitae Variant Classification Sherloc (09022015). Collection method: clinical testing. Allele origin: germline.
Comment: This sequence change creates a premature translational stop signal (p.Val692Glufs*18) in the MYO7A gene. It is expected to result in an absent or disrupted protein product. Loss-of-function variants in MYO7A are known to be pathogenic (PMID: 8900236, 25404053). This variant is not present in population databases (gnomAD no frequency). This variant has not been reported in the literature in individuals affected with MYO7A-related conditions. For these reasons, this variant has been classified as Pathogenic.

Literature cited by the submitters: PubMed 8900236; PubMed 25404053.

NM_000260.4(MYO7A):c.2075_2076del (p.Val692fs)

Gene: MYO7A (myosin VIIA; plus strand). Cytogenetic location: 11q13.5.
Variant type: Microsatellite.
Coding change: c.2075_2076del on transcript NM_000260.4 (MANE Select); coding-DNA positions 2075 to 2076, 2 bases deleted (TG; older notation c.2075_2076delTG).
Protein change: p.Val692fs; shifts the reading frame from valine 692.
Molecular consequence: frameshift variant.
Genome position (GRCh38, 1-based): chr11:77,174,895-77,174,896, TG deleted; deleting any 2 consecutive bases within chr11:77,174,892-77,174,896 gives the same sequence; the c. name uses the placement nearest the transcript's 3' end. VCF-style (leftmost placement, unchanged base first): chr11-77174891-GGT-G. GRCh37 (hg19) VCF-style: chr11-76885937-GGT-G.
Other names: c.2075_2076del, p.Val692fs (NM_001127180.2); c.2042_2043del, p.Val681fs (NM_001369365.1); short protein forms V681fs, V692fs.
Identifiers: ClinVar variation 2844536 (VCV002844536.3), dbSNP rs2497079021, ClinGen allele CA2739270694.
Genomic context (GRCh38, chr11:77,174,891, plus strand): 5'-GGCTACCCCATCCGCTACAGCTTCGTAGAGTTTGTGGAGCGGTACCGTGTGCTGCTGCCA[GGT>G]GTGAAGCCGGCCTACAAGCAGGTACAGGGCTGAGTGCACAGAGGGCAGGAGGGGAGGGTC-3'